The following is an entry in ClinVar:

NM_005591.4(MRE11):c.377A>G (p.His126Arg)

Gene: MRE11 (MRE11 double strand break repair nuclease; minus strand). Cytogenetic location: 11q21.
Variant type: single nucleotide variant.
Coding change: c.377A>G on transcript NM_005591.4 (MANE Select); coding-DNA position 377, A replaced by G.
Protein change: p.His126Arg; replaces histidine 126 with arginine.
Molecular consequence: missense variant.
Genome position (GRCh38, 1-based): chr11:94,479,699, T>C on the plus strand (A>G on the coding strand, the complement: MRE11 is on the minus strand). VCF-style: chr11-94479699-T-C. GRCh37 (hg19) VCF-style: chr11-94212865-T-C.
Other names: c.377A>G, p.His126Arg (NM_001330347.2, NM_005590.4); short protein forms H126R.
Identifiers: ClinVar variation 2433796 (VCV002433796.4), dbSNP rs2135090975, ClinGen allele CA382378346.
Genomic context (GRCh38, chr11:94,479,699, plus strand): 5'-AAAATTCCAACAAACTCTAAGAAAACAATAATTACCCCTGTGGGATCGTCATGATTGCCA[T>C]GAATACTAAACACTGGAATTGAAATGTTGAGGTTGCCATCTTGATAGTTCACCCATGGAA-3'
Protein context (NP_005582.1, residues 116-136): LNISIPVFSI[His126Arg]GNHDDPTGAD

ClinVar aggregate classification (germline): Uncertain significance. Review status: criteria provided, multiple submitters, no conflicts (2 of 4 stars). 2 submissions from 2 submitters: Uncertain significance (2). Last evaluated 2026-01-10.

Conditions:
Hereditary cancer-predisposing syndrome. Also called: Neoplastic Syndromes, Hereditary; Tumor predisposition; Hereditary Cancer Syndrome; Hereditary neoplastic syndrome. Identifiers: Orphanet 140162, MedGen C0027672, MeSH D009386, MONDO:0015356.
Ataxia-telangiectasia-like disorder 1 (ATLD1). Identifiers: Orphanet 251347, MedGen C4012790, MONDO:0024557, OMIM 604391.

Allele frequency attached by ClinVar (database versions not stated): gnomAD exomes below 0.00001.
gnomAD v4.1: 1 of 1,613,068 alleles (0.000062%); highest among the groups gnomAD compares: South Asian, 0.0011%; no homozygotes.

Submissions (2):

Ambry Genetics
Classification: Uncertain significance for Hereditary cancer-predisposing syndrome. Last evaluated: 2026-01-10. Review status: criteria provided, single submitter. Criteria: Ambry Variant Classification Scheme 2023. Collection method: clinical testing. Allele origin: germline.
Comment: The p.H126R variant (also known as c.377A>G), located in coding exon 4 of the MRE11A gene, results from an A to G substitution at nucleotide position 377. The histidine at codon 126 is replaced by arginine, an amino acid with highly similar properties. This amino acid position is conserved. In addition, this alteration is predicted to be deleterious by in silico analysis. Based on the available evidence, the clinical significance of this variant remains unclear.

Revvity Omics, Revvity
Classification: Uncertain significance for Ataxia-telangiectasia-like disorder 1. Last evaluated: 2019-06-11. Review status: criteria provided, single submitter. Criteria: ACMG Guidelines, 2015. Collection method: clinical testing. Allele origin: germline.